The following is an entry in ClinVar:

NM_001267550.2(TTN):c.34207G>T (p.Glu11403Ter)

Gene: TTN (titin; minus strand). Cytogenetic location: 2q31.2.
Variant type: single nucleotide variant.
Coding change: c.34207G>T on transcript NM_001267550.2 (MANE Select); coding-DNA position 34207, G replaced by T.
Protein change: p.Glu11403Ter; replaces glutamic acid 11403 with a stop codon.
Molecular consequence: nonsense. On other transcripts: intron variant (3).
Genome position (GRCh38, 1-based): chr2:178,677,705, C>A on the plus strand (G>T on the coding strand, the complement: TTN is on the minus strand). VCF-style: chr2-178677705-C-A. GRCh37 (hg19) VCF-style: chr2-179542432-C-A.
Other names: c.33256G>T, p.Glu11086Ter (NM_001256850.1); c.30475G>T, p.Glu10159Ter (NM_133378.4); c.13283-35388G>T (NM_003319.4); c.13859-35388G>T (NM_133437.4); c.13658-35388G>T (NM_133432.3); short protein forms E11403*, E10159*, E11086*.
Identifiers: ClinVar variation 967214 (VCV000967214.10), dbSNP rs878921943, ClinGen allele CA349529580.

ClinVar aggregate classification (germline): Likely pathogenic (1 of 4 stars; one submission).

Conditions:
Dilated cardiomyopathy 1G (CMD1G). Identifiers: Orphanet 154, MedGen C1858763, MONDO:0011400, OMIM 604145.
Autosomal recessive limb-girdle muscular dystrophy type 2J (LGMDR10). Also called: Limb-girdle muscular dystrophy, type 2J; MUSCULAR DYSTROPHY, LIMB-GIRDLE, AUTOSOMAL RECESSIVE 10. Identifiers: Orphanet 140922, MedGen C1837342, MONDO:0012127, OMIM 608807.

gnomAD v4.1: 1 of 1,612,724 alleles (0.000062%); no homozygotes.

Submission:

Labcorp Genetics (formerly Invitae), Labcorp
Classification: Likely pathogenic for Dilated cardiomyopathy 1G; Autosomal recessive limb-girdle muscular dystrophy type 2J. Last evaluated: 2025-10-27. Review status: criteria provided, single submitter. Criteria: Invitae Variant Classification Sherloc (09022015). Collection method: clinical testing. Allele origin: germline.
Comment: This sequence change creates a premature translational stop signal (p.Glu11403*) in the TTN gene. While this is not anticipated to result in nonsense mediated decay, it is expected to create a truncated TTN protein. This variant is not present in population databases (gnomAD no frequency). This variant has not been reported in the literature in individuals affected with TTN-related conditions. ClinVar contains an entry for this variant (Variation ID: 967214). This variant is located in the I band of TTN (PMID: 25589632). Truncating variants in this region have been reported in individuals affected with autosomal recessive centronuclear myopathy (PMID: 23975875, internal data). Truncating variants in this region have also been identified in individuals affected with autosomal dominant dilated cardiomyopathy and/or cardio-related conditions (PMID: 27869827, 32964742, internal data). In summary, the currently available evidence indicates that the variant is pathogenic, but additional data are needed to prove that conclusively. Therefore, this variant has been classified as Likely Pathogenic.

Literature cited by the submitters: PubMed 25589632; PubMed 23975875; PubMed 27869827; PubMed 32964742.